The following is an entry in ClinVar:

NM_007055.4(POLR3A):c.3980A>G (p.His1327Arg)

Gene: POLR3A (RNA polymerase III subunit A; minus strand). Cytogenetic location: 10q22.3.
Variant type: single nucleotide variant.
Coding change: c.3980A>G on transcript NM_007055.4 (MANE Select); coding-DNA position 3980, A replaced by G.
Protein change: p.His1327Arg; replaces histidine 1327 with arginine.
Molecular consequence: missense variant.
Genome position (GRCh38, 1-based): chr10:77,980,185, T>C on the plus strand (A>G on the coding strand, the complement: POLR3A is on the minus strand). VCF-style: chr10-77980185-T-C. GRCh37 (hg19) VCF-style: chr10-79739943-T-C.
Other names: short protein forms H1327R.
Identifiers: ClinVar variation 4879811 (VCV004879811.1).
Genomic context (GRCh38, chr10:77,980,185, plus strand): 5'-GAAACATCAAACCTACCACACACAGAGTCCTTCTGCCCGAAGTAGGCAGCGTCAAAGAGA[T>C]GGTCAGCCGTCTTCTCAAAGGAGGCCAGCATCAGCACACTCTCCTTCATCTTGGCCAGGC-3'
Protein context (NP_008986.2, residues 1317-1337): MLASFEKTAD[His1327Arg]LFDAAYFGQK

ClinVar aggregate classification (germline): Uncertain significance (1 of 4 stars; one submission).

Conditions:
POLR3A-related disorder. Also called: POLR3A-related condition; POLR3A-related disorders. Identifiers: MedGen CN378587, MONDO:0700276.

Submission:

Victorian Clinical Genetics Services, Murdoch Childrens Research Institute
Classification: Uncertain significance for POLR3A-related disorder. Last evaluated: 2026-04-15. Review status: criteria provided, single submitter. Criteria: ACMG Guidelines, 2015. Collection method: clinical testing. Allele origin: germline. Affected: yes.
Comment: This variant is classified as VUS-3B. Evidence in support of pathogenic classification: Variant is absent from gnomAD (v2, v3 and v4). Additional information: Variant is predicted to result in a missense amino acid change from His to Arg; This variant is heterozygous; This gene is associated with autosomal recessive disease; Alternative amino acid change(s) at the same position are present in gnomAD (highest allele count: v4: 1 heterozygote(s), 0 homozygote(s)); This variant has no previous evidence of pathogenicity; No published evidence of segregation with disease has been identified for this variant; No published functional evidence has been identified for this variant; No comparable missense variants have previous evidence for pathogenicity; Variant is located in the annotated RNAP_III_Rpc1_C terminal domain (NCBI); Loss of function is a known mechanism of disease in this gene and is associated with POLR3A-related disorder (MONDO:0700276); Variants in this gene are known to have variable expressivity. Intrafamilial variability in individuals with a leukodystrophy phenotype have been reported (PMID:21855841); Inheritance information for this variant is not currently available in this individual.

Literature cited by the submitters: PubMed 21855841.